The following is an entry in ClinVar:

NM_003239.5(TGFB3):c.-31C>T

Gene: TGFB3 (transforming growth factor beta 3; minus strand). Cytogenetic location: 14q24.3.
Variant type: single nucleotide variant.
Coding change: c.-31C>T on transcript NM_003239.5 (MANE Select); 31 bases upstream of the start codon, C replaced by T.
Molecular consequence: 5 prime UTR variant.
Genome position (GRCh38, 1-based): chr14:75,980,924, G>A on the plus strand (C>T on the coding strand, the complement: TGFB3 is on the minus strand). VCF-style: chr14-75980924-G-A. GRCh37 (hg19) VCF-style: chr14-76447267-G-A.
Other names: c.-31C>T (NM_001329938.2, NM_001329939.2, NM_003239.4).
Identifiers: ClinVar variation 503751 (VCV000503751.8), dbSNP rs375120782, ClinGen allele CA7280544.

ClinVar aggregate classification (germline): Conflicting classifications of pathogenicity. Review status: criteria provided, conflicting classifications (1 of 4 stars). 3 submissions from 3 submitters: Uncertain significance (1); Benign (1). 1 of the submissions does not count toward it. Last evaluated 2024-09-16.

Conditions:
TGFB3-related disorder. Also called: TGFB3-related condition.

Allele frequency attached by ClinVar (database versions not stated): ExAC 0.00002; ESP Exome Variant Server 0.00008; gnomAD exomes 0.00008; TOPMed 0.00010.
gnomAD v4.1: 292 of 1,599,208 alleles (0.018%); highest among the groups gnomAD compares: Non-Finnish European, 0.022%; no homozygotes.

Submissions (3):

Blueprint Genetics
Classification: Benign. Last evaluated: 2024-09-16. Review status: criteria provided, single submitter. Criteria: ACMG Guidelines, 2015. Collection method: clinical testing. Allele origin: germline.

GeneDx
Classification: Uncertain significance. Last evaluated: 2022-05-10. Review status: criteria provided, single submitter. Criteria: GeneDx Variant Classification Process June 2021. Collection method: clinical testing. Allele origin: germline. Affected: yes.
Comment: Has not been previously published as pathogenic or benign to our knowledge; Nucleotide substitution has no predicted effect on splicing and is not conserved across species

PreventionGenetics, part of Exact Sciences
Classification: Likely benign for TGFB3-related condition. Last evaluated: 2020-11-24. Review status: no assertion criteria provided. Collection method: clinical testing. Allele origin: germline. Not counted in ClinVar's aggregate classification.
Comment: This variant is classified as likely benign based on ACMG/AMP sequence variant interpretation guidelines (Richards et al. 2015 PMID: 25741868, with internal and published modifications).